The following is an entry in ClinVar:

NM_174936.4(PCSK9):c.1199T>C (p.Leu400Pro)

Gene: PCSK9 (proprotein convertase subtilisin/kexin type 9; plus strand). Cytogenetic location: 1p32.3.
Variant type: single nucleotide variant.
Coding change: c.1199T>C on transcript NM_174936.4 (MANE Select); coding-DNA position 1199, T replaced by C.
Protein change: p.Leu400Pro; replaces leucine 400 with proline.
Molecular consequence: missense variant. On other transcripts: non-coding transcript variant (8), intron variant (2).
Genome position (GRCh38, 1-based): chr1:55,058,054, T>C. VCF-style: chr1-55058054-T-C. GRCh37 (hg19) VCF-style: chr1-55523727-T-C.
Other names: c.1322T>C, p.Leu441Pro (NM_001407240.1); c.1199T>C, p.Leu400Pro (NM_001407241.1); c.1202T>C, p.Leu401Pro (NM_001407242.1); c.1142T>C, p.Leu381Pro (NM_001407243.1); c.1007T>C, p.Leu336Pro (NM_001407245.1); c.824T>C, p.Leu275Pro (NM_001407246.1); c.1181-445T>C (NM_001407244.1); c.1180+540T>C (NM_001407247.1); short protein forms L275P, L336P, L381P, L400P, L401P, L441P.
Identifiers: ClinVar variation 3894251 (VCV003894251.1).

ClinVar aggregate classification (germline): Uncertain significance (1 of 4 stars; one submission).

Conditions:
Familial hypercholesterolemia. Also called: Familial hypercholesterolaemia. Identifiers: MedGen C0020445, MONDO:0005439.

Submission:

Color Diagnostics, LLC DBA Color Health
Classification: Uncertain significance for Familial hypercholesterolemia. Last evaluated: 2025-03-09. Review status: criteria provided, single submitter. Criteria: ACMG Guidelines, 2015. Collection method: clinical testing. Allele origin: germline.
Comment: This missense variant replaces leucine with proline at codon 400 of the PCSK9 protein. Computational prediction suggests that this variant may have deleterious impact on protein structure and function (internally defined REVEL score threshold >= 0.7, PMID: 27666373). To our knowledge, functional studies have not been reported for this variant. This variant has not been reported in individuals affected with PCSK9-related disorders in the literature. This variant has not been identified in the general population by the Genome Aggregation Database (gnomAD). The available evidence is insufficient to determine the role of this variant in disease conclusively. Therefore, this variant is classified as a Variant of Uncertain Significance.